The following is an entry in ClinVar:

ClinVar aggregate classification (germline): Uncertain significance (1 of 4 stars; one submission).

Allele frequency attached by ClinVar (database versions not stated): TOPMed 0.00001; ExAC 0.00002; 1000 Genomes Project 30x 0.00016; 1000 Genomes Project 0.00020.
gnomAD v4.1: 9 of 1,611,074 alleles (0.00056%); highest among the groups gnomAD compares: African/African-American, 0.0027%; no homozygotes.

Submission:

Labcorp Genetics (formerly Invitae), Labcorp
Classification: Uncertain significance. Last evaluated: 2022-07-12. Review status: criteria provided, single submitter. Criteria: Invitae Variant Classification Sherloc (09022015). Collection method: clinical testing. Allele origin: germline.
Comment: This sequence change replaces arginine, which is basic and polar, with cysteine, which is neutral and slightly polar, at codon 133 of the GANAB protein (p.Arg133Cys). This variant is present in population databases (rs143483203, gnomAD 0.006%). This variant has not been reported in the literature in individuals affected with GANAB-related conditions. Algorithms developed to predict the effect of missense changes on protein structure and function are either unavailable or do not agree on the potential impact of this missense change (SIFT: "Deleterious"; PolyPhen-2: "Possibly Damaging"; Align-GVGD: "Class C15"). In summary, the available evidence is currently insufficient to determine the role of this variant in disease. Therefore, it has been classified as a Variant of Uncertain Significance.

NM_198334.3(GANAB):c.397C>T (p.Arg133Cys)

Gene: GANAB (glucosidase II alpha subunit; minus strand). Cytogenetic location: 11q12.3.
Variant type: single nucleotide variant.
Coding change: c.397C>T on transcript NM_198334.3 (MANE Select); coding-DNA position 397, C replaced by T.
Protein change: p.Arg133Cys; replaces arginine 133 with cysteine.
Molecular consequence: missense variant. On other transcripts: 5 prime UTR variant (2).
Genome position (GRCh38, 1-based): chr11:62,634,984, G>A on the plus strand (C>T on the coding strand, the complement: GANAB is on the minus strand). VCF-style: chr11-62634984-G-A. GRCh37 (hg19) VCF-style: chr11-62402456-G-A.
Other names: c.55C>T, p.Arg19Cys (NM_001278192.2, NM_001278193.2); c.106C>T, p.Arg36Cys (NM_001278194.2, NM_001329222.2, NM_001329223.2); c.-380C>T (NM_001329224.2, NM_001329225.2); c.397C>T, p.Arg133Cys (NM_198335.4); short protein forms R133C, R19C, R36C.
Identifiers: ClinVar variation 2176476 (VCV002176476.4), dbSNP rs143483203, ClinGen allele CA6051106.